The following is an entry in ClinVar:

ClinVar aggregate classification (germline): Likely benign (1 of 4 stars; one submission).

Conditions:
ANK1-related disorder. Also called: ANK1-related condition.

gnomAD v4.1: 2 of 1,614,046 alleles (0.00012%); highest among the groups gnomAD compares: African/African-American, 0.0013%; no homozygotes.

Submission:

PreventionGenetics, part of Exact Sciences
Classification: Likely benign for ANK1-related condition. Last evaluated: 2025-10-24. Review status: criteria provided, single submitter. Criteria: ACMG Guidelines, 2015. Collection method: clinical testing. Allele origin: germline.
Comment: This variant is classified as likely benign based on ACMG/AMP sequence variant interpretation guidelines (Richards et al. 2015 PMID: 25741868, with internal and published modifications).

NM_000037.4(ANK1):c.*10G>T

Gene: ANK1 (ankyrin 1; minus strand). Cytogenetic location: 8p11.21.
Variant type: single nucleotide variant.
Coding change: c.*10G>T on transcript NM_000037.4 (MANE Select); 10 bases downstream of the stop codon, G replaced by T.
Molecular consequence: 3 prime UTR variant. On other transcripts: intron variant (6).
Genome position (GRCh38, 1-based): chr8:41,661,456, C>A on the plus strand (G>T on the coding strand, the complement: ANK1 is on the minus strand). VCF-style: chr8-41661456-C-A. GRCh37 (hg19) VCF-style: chr8-41518974-C-A.
Other names: c.*10G>T (NM_020478.5); c.5667+420G>T (NM_001142446.2); c.5133+345G>T (NM_020477.3); c.5544+420G>T (NM_020475.3); c.5619+345G>T (NM_020476.3); c.303+2203G>T (NM_020480.5); c.444+345G>T (NM_001142445.2).
Identifiers: ClinVar variation 4989614 (VCV004989614.1).